The following is an entry in ClinVar:

NM_001923.5(DDB1):c.1600A>T (p.Met534Leu)

Gene: DDB1 (damage specific DNA binding protein 1; minus strand). Cytogenetic location: 11q12.2.
Variant type: single nucleotide variant.
Coding change: c.1600A>T on transcript NM_001923.5 (MANE Select); coding-DNA position 1600, A replaced by T.
Protein change: p.Met534Leu; replaces methionine 534 with leucine.
Molecular consequence: missense variant.
Genome position (GRCh38, 1-based): chr11:61,314,200, T>A on the plus strand (A>T on the coding strand, the complement: DDB1 is on the minus strand). VCF-style: chr11-61314200-T-A. GRCh37 (hg19) VCF-style: chr11-61081672-T-A.
Other names: short protein forms M534L.
Identifiers: ClinVar variation 1691611 (VCV001691611.4), dbSNP rs2134912317, ClinGen allele CA380663078.

ClinVar aggregate classification (germline): Uncertain significance. Review status: criteria provided, multiple submitters, no conflicts (2 of 4 stars). 2 submissions from 2 submitters: Uncertain significance (2). Last evaluated 2024-10-07.

Submissions (2):

Blueprint Genetics
Classification: Uncertain significance. Last evaluated: 2024-10-07. Review status: criteria provided, single submitter. Criteria: ACMG Guidelines, 2015. Collection method: clinical testing. Allele origin: germline.

GeneDx
Classification: Uncertain significance. Last evaluated: 2021-12-07. Review status: criteria provided, single submitter. Criteria: GeneDx Variant Classification Process June 2021. Collection method: clinical testing. Allele origin: germline. Affected: yes.
Comment: Not observed at significant frequency in large population cohorts (gnomAD); In silico analysis supports that this missense variant does not alter protein structure/function; In-silico analysis is inconclusive as to whether the variant alters gene splicing. In the absence of RNA/functional studies, the actual effect of this sequence change is unknown.; Has not been previously published as pathogenic or benign to our knowledge